The following is an entry in ClinVar:

NM_032806.6(POMGNT2):c.734A>G (p.Tyr245Cys)

Gene: POMGNT2 (protein O-linked mannose N-acetylglucosaminyltransferase 2 (beta 1,4-); minus strand). Cytogenetic location: 3p22.1.
Variant type: single nucleotide variant.
Coding change: c.734A>G on transcript NM_032806.6 (MANE Select); coding-DNA position 734, A replaced by G.
Protein change: p.Tyr245Cys; replaces tyrosine 245 with cysteine.
Molecular consequence: missense variant.
Genome position (GRCh38, 1-based): chr3:43,080,698, T>C on the plus strand (A>G on the coding strand, the complement: POMGNT2 is on the minus strand). VCF-style: chr3-43080698-T-C. GRCh37 (hg19) VCF-style: chr3-43122190-T-C.
Other names: short protein forms Y245C.
Identifiers: ClinVar variation 849800 (VCV000849800.4), dbSNP rs1001285393, ClinGen allele CA74243528.

ClinVar aggregate classification (germline): Uncertain significance (1 of 4 stars; one submission).

Conditions:
Muscular dystrophy-dystroglycanopathy (congenital with brain and eye anomalies), type a, 8 (MDDGA8). Also called: WALKER-WARBURG SYNDROME OR MUSCLE-EYE-BRAIN DISEASE, GTDC2-RELATED. Identifiers: Orphanet 899, MedGen C3553813, MONDO:0013904, OMIM 614830.

Allele frequency attached by ClinVar (database versions not stated): gnomAD exomes 0.00001; gnomAD 0.00002; TOPMed 0.00002.
gnomAD v4.1: 15 of 1,614,032 alleles (0.00093%); highest among the groups gnomAD compares: African/African-American, 0.004%; no homozygotes.

Submission:

Labcorp Genetics (formerly Invitae), Labcorp
Classification: Uncertain significance for Muscular dystrophy-dystroglycanopathy (congenital with brain and eye anomalies), type a, 8. Last evaluated: 2022-05-16. Review status: criteria provided, single submitter. Criteria: Invitae Variant Classification Sherloc (09022015). Collection method: clinical testing. Allele origin: germline.
Comment: This sequence change replaces tyrosine, which is neutral and polar, with cysteine, which is neutral and slightly polar, at codon 245 of the POMGNT2 protein (p.Tyr245Cys). This variant is present in population databases (no rsID available, gnomAD 0.002%). This variant has not been reported in the literature in individuals affected with POMGNT2-related conditions. ClinVar contains an entry for this variant (Variation ID: 849800). Algorithms developed to predict the effect of missense changes on protein structure and function (SIFT, PolyPhen-2, Align-GVGD) all suggest that this variant is likely to be disruptive. In summary, the available evidence is currently insufficient to determine the role of this variant in disease. Therefore, it has been classified as a Variant of Uncertain Significance.